The following is an entry in ClinVar:

ClinVar aggregate classification (germline): Uncertain significance. Review status: criteria provided, multiple submitters, no conflicts (2 of 4 stars). 2 submissions from 2 submitters: Uncertain significance (2). Last evaluated 2024-10-26.

Conditions:
Joubert syndrome 20 (JBTS20). Identifiers: Orphanet 475, MedGen C3554235, MONDO:0013994, OMIM 614970.
Meckel syndrome, type 11 (MKS11). Identifiers: Orphanet 564, MedGen C3809352, MONDO:0014164, OMIM 615397.

Submissions (2):

Labcorp Genetics (formerly Invitae), Labcorp
Classification: Uncertain significance for Joubert syndrome 20; Meckel syndrome, type 11. Last evaluated: 2024-10-26. Review status: criteria provided, single submitter. Criteria: Invitae Variant Classification Sherloc (09022015). Collection method: clinical testing. Allele origin: germline.
Comment: This sequence change replaces tyrosine, which is neutral and polar, with phenylalanine, which is neutral and non-polar, at codon 326 of the TMEM231 protein (p.Tyr326Phe). This variant is not present in population databases (gnomAD no frequency). This variant has not been reported in the literature in individuals affected with TMEM231-related conditions. ClinVar contains an entry for this variant (Variation ID: 2066845). Experimental studies and prediction algorithms are not available or were not evaluated, and the functional significance of this variant is currently unknown. In summary, the available evidence is currently insufficient to determine the role of this variant in disease. Therefore, it has been classified as a Variant of Uncertain Significance.

Blueprint Genetics
Classification: Uncertain significance. Last evaluated: 2020-02-12. Review status: criteria provided, single submitter. Criteria: ACMG Guidelines, 2015. Collection method: clinical testing. Allele origin: germline.

NM_001077418.3(TMEM231):c.818A>T (p.Tyr273Phe)

Gene: TMEM231 (transmembrane protein 231; minus strand). Cytogenetic location: 16q23.1.
Variant type: single nucleotide variant.
Coding change: c.818A>T on transcript NM_001077418.3 (MANE Select); coding-DNA position 818, A replaced by T.
Protein change: p.Tyr273Phe; replaces tyrosine 273 with phenylalanine.
Molecular consequence: missense variant. On other transcripts: non-coding transcript variant (1).
Genome position (GRCh38, 1-based): chr16:75,540,127, T>A on the plus strand (A>T on the coding strand, the complement: TMEM231 is on the minus strand). VCF-style: chr16-75540127-T-A. GRCh37 (hg19) VCF-style: chr16-75574025-T-A.
Other names: c.977A>T, p.Tyr326Phe (NM_001077416.2); short protein forms Y273F, Y326F.
Identifiers: ClinVar variation 2066845 (VCV002066845.5), dbSNP rs2080604804, ClinGen allele CA396802932.
Genomic context (GRCh38, chr16:75,540,127, plus strand): 5'-TGAAACACGAAGATCTTGATTCTTTCAAACACCCAGAGGAAGATAAGCAGGATGCTGACA[T>A]ACTGCACCCAGGCGAACTTTACCATCTCCCAGAATCCTGGCTGATAAGTATGGACAGTTA-3'
Protein context (NP_001070886.1, residues 263-283): WEMVKFAWVQ[Tyr273Phe]VSILLIFLWV